The following is an entry in ClinVar:

ClinVar aggregate classification (germline): Pathogenic (1 of 4 stars; one submission).

Submission:

GeneDx
Classification: Pathogenic. Last evaluated: 2023-05-01. Review status: criteria provided, single submitter. Criteria: GeneDx Variant Classification Process June 2021. Collection method: clinical testing. Allele origin: germline. Affected: yes.
Comment: Not observed in large population cohorts (gnomAD); In silico analysis supports that this missense variant has a deleterious effect on protein structure/function; This variant is associated with the following publications: (PMID: 33298948)

NM_001039591.3(USP9X):c.5053G>A (p.Asp1685Asn)

Gene: USP9X (ubiquitin specific peptidase 9 X-linked; plus strand). Cytogenetic location: Xp11.4.
Variant type: single nucleotide variant.
Coding change: c.5053G>A on transcript NM_001039591.3 (MANE Select); coding-DNA position 5053, G replaced by A.
Protein change: p.Asp1685Asn; replaces aspartic acid 1685 with asparagine.
Molecular consequence: missense variant.
Genome position (GRCh38, 1-based): chrX:41,210,546, G>A. VCF-style: chrX-41210546-G-A. GRCh37 (hg19) VCF-style: chrX-41069799-G-A.
Other names: c.5053G>A, p.Asp1685Asn (NM_001039590.3); short protein forms D1685N.
Identifiers: ClinVar variation 1193570 (VCV001193570.3), dbSNP rs2147230105, ClinGen allele CA412784040.